The following is an entry in ClinVar:

NM_007194.4(CHEK2):c.916G>C (p.Gly306Arg)

Gene: CHEK2 (checkpoint kinase 2; minus strand). Cytogenetic location: 22q12.1.
Variant type: single nucleotide variant.
Coding change: c.916G>C on transcript NM_007194.4 (MANE Select); coding-DNA position 916, G replaced by C.
Protein change: p.Gly306Arg; replaces glycine 306 with arginine.
Molecular consequence: missense variant.
Genome position (GRCh38, 1-based): chr22:28,699,930, C>G on the plus strand (G>C on the coding strand, the complement: CHEK2 is on the minus strand). VCF-style: chr22-28699930-C-G. GRCh37 (hg19) VCF-style: chr22-29095918-C-G.
Other names: c.1045G>C, p.Gly349Arg (NM_001005735.3); c.253G>C, p.Gly85Arg (NM_001257387.3); c.715G>C, p.Gly239Arg (NM_001349956.3); c.916G>C, p.Gly306Arg (NM_145862.3); short protein forms G239R, G306R, G349R, G85R.
Identifiers: ClinVar variation 1015249 (VCV001015249.10), dbSNP rs587783051, ClinGen allele CA10167778.
Genomic context (GRCh38, chr22:28,699,930, plus strand): 5'-GCTTGCAGGTAGCTTCTTTCAGGCGTTTATTCCCCACCACTTTGTCAAACAGCTCTCCCC[C>G]TTCCATCCTGAAACACAAAGGCAAGGCAAGGGGTTCATTCCTGGGGGAAAACGCACTTGG-3'
Protein context (NP_009125.1, residues 296-316): DYYIVLELME[Gly306Arg]GELFDKVVGN

ClinVar aggregate classification (germline): Uncertain significance. Review status: criteria provided, multiple submitters, no conflicts (2 of 4 stars). 2 submissions from 2 submitters: Uncertain significance (2). Last evaluated 2025-05-01.

Conditions:
Hereditary cancer-predisposing syndrome. Also called: Hereditary Cancer Syndrome; Tumor predisposition; Neoplastic Syndromes, Hereditary; Hereditary neoplastic syndrome. Identifiers: Orphanet 140162, MedGen C0027672, MeSH D009386, MONDO:0015356.
Familial cancer of breast. Also called: BREAST CANCER, FAMILIAL; Hereditary breast cancer; hereditary breast carcinoma. Identifiers: Orphanet 227535, MedGen C0346153, MONDO:0016419, OMIM 114480. Disease mechanism: loss of function.

Allele frequency attached by ClinVar (database versions not stated): ExAC 0.00001; gnomAD exomes 0.00001.
gnomAD v4.1: 2 of 1,613,272 alleles (0.00012%); highest among the groups gnomAD compares: South Asian, 0.0011%; no homozygotes.

Submissions (2):

Labcorp Genetics (formerly Invitae), Labcorp
Classification: Uncertain significance for Familial cancer of breast. Last evaluated: 2025-05-01. Review status: criteria provided, single submitter. Criteria: Invitae Variant Classification Sherloc (09022015). Collection method: clinical testing. Allele origin: germline.
Comment: This sequence change replaces glycine, which is neutral and non-polar, with arginine, which is basic and polar, at codon 306 of the CHEK2 protein (p.Gly306Arg). This variant is present in population databases (rs587783051, gnomAD 0.003%). This variant has not been reported in the literature in individuals affected with CHEK2-related conditions. ClinVar contains an entry for this variant (Variation ID: 1015249). An algorithm developed to predict the effect of missense changes on protein structure and function (PolyPhen-2) suggests that this variant is likely to be disruptive. In summary, the available evidence is currently insufficient to determine the role of this variant in disease. Therefore, it has been classified as a Variant of Uncertain Significance.

Ambry Genetics
Classification: Uncertain significance for Hereditary cancer-predisposing syndrome. Last evaluated: 2025-01-16. Review status: criteria provided, single submitter. Criteria: Ambry Variant Classification Scheme 2023. Collection method: clinical testing. Allele origin: germline.
Comment: The p.G306R variant (also known as c.916G>C), located in coding exon 8 of the CHEK2 gene, results from a G to C substitution at nucleotide position 916. The glycine at codon 306 is replaced by arginine, an amino acid with dissimilar properties. This amino acid position is highly conserved in available vertebrate species. In addition, this alteration is predicted to be deleterious by in silico analysis. Based on the available evidence, the clinical significance of this variant remains unclear.